The following is an entry in ClinVar:

NM_031229.4(RBCK1):c.729_756+10del

Gene: RBCK1 (RANBP2-type and C3HC4-type zinc finger containing 1; plus strand). Cytogenetic location: 20p13.
Variant type: Deletion.
Coding change: c.729_756+10del on transcript NM_031229.4 (MANE Select); coding-DNA position 729 through 10 bases into the intron after coding-DNA position 756, 38 bases deleted.
Molecular consequence: splice donor variant.
Genome position (GRCh38, 1-based): chr20:419,704-419,741, 38 bases deleted; deleting any 38 consecutive bases within chr20:419,702-419,741 gives the same sequence; the c. name uses the placement nearest the transcript's 3' end. GRCh37 (hg19): chr20:400,348-400,385.
Other names: c.780_807+10del (NM_001410770.1); c.380_407+10del (NM_001323956.2, NM_001323958.2); c.603_630+10del (NM_006462.6).
Identifiers: ClinVar variation 4994846 (VCV004994846.1).

ClinVar aggregate classification (germline): Likely pathogenic (1 of 4 stars; one submission).

Conditions:
RBCK1-related disorder. Also called: RBCK1-related condition.

Submission:

PreventionGenetics, part of Exact Sciences
Classification: Likely pathogenic for RBCK1-related condition. Last evaluated: 2025-09-12. Review status: criteria provided, single submitter. Criteria: ACMG Guidelines, 2015. Collection method: clinical testing. Allele origin: germline.
Comment: The RBCK1 c.729_756+10del38 variant is predicted to result in a deletion affecting a canonical splice site. To our knowledge, this variant has not been reported in the literature or in a large population database (gnomAD), indicating this variant is rare. Variants that disrupts the consensus splicing site in RBCK1 are expected to be pathogenic. This variant is interpreted as likely pathogenic.